The following is an entry in ClinVar:

NM_000153.4(GALC):c.1348A>G (p.Ser450Gly)

Gene: GALC (galactosylceramidase; minus strand). Cytogenetic location: 14q31.3.
Variant type: single nucleotide variant.
Coding change: c.1348A>G on transcript NM_000153.4 (MANE Select); coding-DNA position 1348, A replaced by G.
Protein change: p.Ser450Gly; replaces serine 450 with glycine.
Molecular consequence: missense variant.
Genome position (GRCh38, 1-based): chr14:87,947,869, T>C on the plus strand (A>G on the coding strand, the complement: GALC is on the minus strand). VCF-style: chr14-87947869-T-C. GRCh37 (hg19) VCF-style: chr14-88414213-T-C.
Other names: c.1279A>G, p.Ser427Gly (NM_001201401.2); c.1270A>G, p.Ser424Gly (NM_001201402.2); short protein forms S424G, S427G, S450G.
Identifiers: ClinVar variation 1476851 (VCV001476851.8), dbSNP rs1019851510, ClinGen allele CA264685736.

ClinVar aggregate classification (germline): Uncertain significance (1 of 4 stars; one submission).

Conditions:
Galactosylceramide beta-galactosidase deficiency. Also called: Krabbe Disease; Leukodystrophy, Globoid Cell; GALACTOCEREBROSIDASE DEFICIENCY; GALC DEFICIENCY; GLOBOID CELL LEUKOENCEPHALOPATHY. Identifiers: Orphanet 487, MedGen C0023521, MONDO:0009499, OMIM 245200.

Submission:

Labcorp Genetics (formerly Invitae), Labcorp
Classification: Uncertain significance for Galactosylceramide beta-galactosidase deficiency. Last evaluated: 2025-03-31. Review status: criteria provided, single submitter. Criteria: Invitae Variant Classification Sherloc (09022015). Collection method: clinical testing. Allele origin: germline.
Comment: This sequence change replaces serine, which is neutral and polar, with glycine, which is neutral and non-polar, at codon 450 of the GALC protein (p.Ser450Gly). This variant is not present in population databases (gnomAD no frequency). This variant has not been reported in the literature in individuals affected with GALC-related conditions. ClinVar contains an entry for this variant (Variation ID: 1476851). Invitae Evidence Modeling of protein sequence and biophysical properties (such as structural, functional, and spatial information, amino acid conservation, physicochemical variation, residue mobility, and thermodynamic stability) indicates that this missense variant is not expected to disrupt GALC protein function with a negative predictive value of 95%. In summary, the available evidence is currently insufficient to determine the role of this variant in disease. Therefore, it has been classified as a Variant of Uncertain Significance.